The following is an entry in ClinVar:

NM_001349253.2(SCN11A):c.3107A>T (p.Lys1036Met)

Gene: SCN11A (sodium voltage-gated channel alpha subunit 11; minus strand). Cytogenetic location: 3p22.2.
Variant type: single nucleotide variant.
Coding change: c.3107A>T on transcript NM_001349253.2 (MANE Select); coding-DNA position 3107, A replaced by T.
Protein change: p.Lys1036Met; replaces lysine 1036 with methionine.
Molecular consequence: missense variant.
Genome position (GRCh38, 1-based): chr3:38,883,345, T>A on the plus strand (A>T on the coding strand, the complement: SCN11A is on the minus strand). VCF-style: chr3-38883345-T-A. GRCh37 (hg19) VCF-style: chr3-38924836-T-A.
Other names: c.3107A>T, p.Lys1036Met (NM_014139.3); short protein forms K1036M.
Identifiers: ClinVar variation 1719867 (VCV001719867.5), dbSNP rs2470536601, ClinGen allele CA352173189.

ClinVar aggregate classification (germline): Uncertain significance (1 of 4 stars; one submission).

Conditions:
Hereditary sensory and autonomic neuropathy type 7. Also called: HSAN VII; Neuropathy, hereditary sensory and autonomic, type VII. Identifiers: Orphanet 391397, MedGen C3809882, MONDO:0014244, OMIM 615548.
Familial episodic pain syndrome with predominantly lower limb involvement. Also called: Episodic pain syndrome, familial, 3. Identifiers: Orphanet 391384, Orphanet 391392, MedGen C3809899, MONDO:0014247, OMIM 615552.

Submission:

Labcorp Genetics (formerly Invitae), Labcorp
Classification: Uncertain significance for Familial episodic pain syndrome with predominantly lower limb involvement; Hereditary sensory and autonomic neuropathy type 7. Last evaluated: 2022-09-20. Review status: criteria provided, single submitter. Criteria: Invitae Variant Classification Sherloc (09022015). Collection method: clinical testing. Allele origin: germline.
Comment: In summary, the available evidence is currently insufficient to determine the role of this variant in disease. Therefore, it has been classified as a Variant of Uncertain Significance. Advanced modeling of protein sequence and biophysical properties (such as structural, functional, and spatial information, amino acid conservation, physicochemical variation, residue mobility, and thermodynamic stability) performed at Invitae indicates that this missense variant is not expected to disrupt SCN11A protein function. This variant has not been reported in the literature in individuals affected with SCN11A-related conditions. This variant is not present in population databases (gnomAD no frequency). This sequence change replaces lysine, which is basic and polar, with methionine, which is neutral and non-polar, at codon 1036 of the SCN11A protein (p.Lys1036Met).